The following is an entry in ClinVar:

NM_020975.6(RET):c.2944C>A (p.Arg982Ser)

Gene: RET (ret proto-oncogene; plus strand). Cytogenetic location: 10q11.21.
Variant type: single nucleotide variant.
Coding change: c.2944C>A on transcript NM_020975.6 (MANE Select); coding-DNA position 2944, C replaced by A.
Protein change: p.Arg982Ser; replaces arginine 982 with serine.
Molecular consequence: missense variant.
Genome position (GRCh38, 1-based): chr10:43,124,887, C>A. VCF-style: chr10-43124887-C-A. GRCh37 (hg19) VCF-style: chr10-43620335-C-A.
Other names: c.2944C>A, p.Arg982Ser (NM_000323.2, NM_001406743.1, NM_001406744.1 and 4 more transcripts); c.2182C>A, p.Arg728Ser (NM_001355216.2); c.2815C>A, p.Arg939Ser (NM_001406761.1, NM_001406762.1, NM_001406764.1); c.2809C>A, p.Arg937Ser (NM_001406763.1, NM_001406765.1); c.2656C>A, p.Arg886Ser (NM_001406766.1, NM_001406767.1, NM_001406770.1); c.2680C>A, p.Arg894Ser (NM_001406768.1); c.2548C>A, p.Arg850Ser (NM_001406769.1, NM_001406772.1); c.2506C>A, p.Arg836Ser (NM_001406771.1, NM_001406773.1); and 10 more; short protein forms R499S, R547S, R587S, R638S, R640S, R643S, R652S, R683S.
Identifiers: ClinVar variation 3069281 (VCV003069281.2), dbSNP rs17158558, ClinGen allele CA376558032.

ClinVar aggregate classification (germline): Conflicting classifications of pathogenicity. Review status: criteria provided, conflicting classifications (1 of 4 stars). 2 submissions from 2 submitters: Uncertain significance (1); Likely benign (1). Last evaluated 2024-07-03.

Conditions:
Multiple endocrine neoplasia, type 2 (MEN2). Identifiers: Orphanet 653, MedGen C4048306, MONDO:0019003. Disease mechanism: gain of function.
Hereditary cancer-predisposing syndrome. Also called: Neoplastic Syndromes, Hereditary; Hereditary neoplastic syndrome; Tumor predisposition; Hereditary Cancer Syndrome. Identifiers: Orphanet 140162, MedGen C0027672, MeSH D009386, MONDO:0015356.

gnomAD v4.1: 1 of 1,613,926 alleles (0.000062%); highest among the groups gnomAD compares: African/African-American, 0.0013%; no homozygotes.

Submissions (2):

Ambry Genetics
Classification: Likely benign for Hereditary cancer-predisposing syndrome. Last evaluated: 2024-07-03. Review status: criteria provided, single submitter. Criteria: Ambry Variant Classification Scheme 2023. Collection method: clinical testing. Allele origin: germline.

All of Us Research Program, National Institutes of Health
Classification: Uncertain significance for Multiple endocrine neoplasia, type 2. Last evaluated: 2023-05-31. Review status: criteria provided, single submitter. Criteria: ACMG Guidelines, 2015. Collection method: clinical testing. Allele origin: germline. Inheritance: Autosomal dominant inheritance. Observed: 1 variant allele, 1 heterozygote.
Comment: This study involves interpretation of variants in research participants for the purpose of population health screening. Participant phenotype was not available at the time of variant classification. Additional details can be found in publication PMID: 35346344, PMCID: PMC8962531